The following is an entry in ClinVar:

NM_182931.3(KMT2E):c.5360C>T (p.Pro1787Leu)

Gene: KMT2E (lysine methyltransferase 2E (inactive); plus strand). Cytogenetic location: 7q22.3.
Variant type: single nucleotide variant.
Coding change: c.5360C>T on transcript NM_182931.3 (MANE Select); coding-DNA position 5360, C replaced by T.
Protein change: p.Pro1787Leu; replaces proline 1787 with leucine.
Molecular consequence: missense variant.
Genome position (GRCh38, 1-based): chr7:105,113,116, C>T. VCF-style: chr7-105113116-C-T. GRCh37 (hg19) VCF-style: chr7-104753563-C-T.
Other names: c.5234C>T, p.Pro1745Leu (NM_001410908.1); c.5360C>T, p.Pro1787Leu (NM_018682.4); short protein forms P1745L, P1787L.
Identifiers: ClinVar variation 3372558 (VCV003372558.1).

ClinVar aggregate classification (germline): Uncertain significance (1 of 4 stars; one submission).

gnomAD v4.1: 1 of 1,614,210 alleles (0.000062%); highest among the groups gnomAD compares: Non-Finnish European, 0.000085%; no homozygotes.

Submission:

GeneDx
Classification: Uncertain significance. Last evaluated: 2024-04-19. Review status: criteria provided, single submitter. Criteria: GeneDx Variant Classification Process June 2021. Collection method: clinical testing. Allele origin: germline. Affected: yes.
Comment: Not observed at significant frequency in large population cohorts (gnomAD); In silico analysis indicates that this missense variant does not alter protein structure/function; Has not been previously published as pathogenic or benign to our knowledge